The following is an entry in ClinVar:

NM_000179.3(MSH6):c.2212G>C (p.Val738Leu)

Gene: MSH6 (mutS homolog 6; plus strand). Cytogenetic location: 2p16.3.
Variant type: single nucleotide variant.
Coding change: c.2212G>C on transcript NM_000179.3 (MANE Select); coding-DNA position 2212, G replaced by C.
Protein change: p.Val738Leu; replaces valine 738 with leucine.
Molecular consequence: missense variant.
Genome position (GRCh38, 1-based): chr2:47,800,195, G>C. VCF-style: chr2-47800195-G-C. GRCh37 (hg19) VCF-style: chr2-48027334-G-C.
Other names: c.1822G>C, p.Val608Leu (NM_001281492.2); c.1306G>C, p.Val436Leu (NM_001281493.2, NM_001281494.2, NM_001406811.1 and 6 more transcripts); c.2308G>C, p.Val770Leu (NM_001406795.1, NM_001406802.1); c.2212G>C, p.Val738Leu (NM_001406796.1, NM_001406798.1, NM_001406800.1 and 3 more transcripts); c.1915G>C, p.Val639Leu (NM_001406797.1, NM_001406801.1, NM_001406805.1 and 10 more transcripts); c.1687G>C, p.Val563Leu (NM_001406799.1, NM_001406806.1, NM_001406807.1); c.2134G>C, p.Val712Leu (NM_001406804.1); c.2218G>C, p.Val740Leu (NM_001406813.1); and 1 more; short protein forms V639L, V682L, V436L, V563L, V608L, V712L, V738L, V740L.
Identifiers: ClinVar variation 1787790 (VCV001787790.2), dbSNP rs2104394393, ClinGen allele CA346752383.

ClinVar aggregate classification (germline): Uncertain significance (1 of 4 stars; one submission).

Conditions:
Hereditary cancer-predisposing syndrome. Also called: Neoplastic Syndromes, Hereditary; Tumor predisposition; Hereditary Cancer Syndrome; Hereditary neoplastic syndrome. Identifiers: Orphanet 140162, MedGen C0027672, MeSH D009386, MONDO:0015356.

Submission:

Ambry Genetics
Classification: Uncertain significance for Hereditary cancer-predisposing syndrome. Last evaluated: 2019-04-02. Review status: criteria provided, single submitter. Criteria: Ambry Variant Classification Scheme 2023. Collection method: clinical testing. Allele origin: germline.
Comment: The p.V738L variant (also known as c.2212G>C), located in coding exon 4 of the MSH6 gene, results from a G to C substitution at nucleotide position 2212. The valine at codon 738 is replaced by leucine, an amino acid with highly similar properties. This amino acid position is highly conserved in available vertebrate species. In addition, this alteration is predicted to be deleterious by in silico analysis. In addition, the CoDP in silico tool predicts this alteration to likely impair molecular function, with a score of 0.815 (Terui H et al. J. Biomed. Sci. 2013 Apr;20:25). Since supporting evidence is limited at this time, the clinical significance of this alteration remains unclear.